The following is an entry in ClinVar:

NM_024652.6(LRRK1):c.2484C>T (p.Asp828=)

Genes: LRRK1 (leucine rich repeat kinase 1; plus strand), LOC126862255 (CDK7 strongly-dependent group 2 enhancer GRCh37_chr15:101567313-101568512; plus strand). Cytogenetic location: 15q26.3.
Variant type: single nucleotide variant.
Coding change: c.2484C>T on transcript NM_024652.6 (MANE Select); coding-DNA position 2484, C replaced by T.
Protein change: p.Asp828=; no amino-acid change (aspartic acid 828 retained).
Molecular consequence: synonymous variant.
Genome position (GRCh38, 1-based): chr15:101,027,339, C>T. VCF-style: chr15-101027339-C-T. GRCh37 (hg19) VCF-style: chr15-101567544-C-T.
Other names: c.2484C>T (NM_024652.5).
Identifiers: ClinVar variation 710372 (VCV000710372.26), dbSNP rs149998498, ClinGen allele CA7761251.

ClinVar aggregate classification (germline): Benign/Likely benign. Review status: criteria provided, multiple submitters, no conflicts (2 of 4 stars). 4 submissions from 4 submitters: Benign (1); Likely benign (2). 1 of the submissions does not count toward it. Last evaluated 2026-01-27.

Conditions:
LRRK1-related disorder. Also called: LRRK1-related condition.

Allele frequency attached by ClinVar (database versions not stated): 1000 Genomes Project 0.00280; gnomAD exomes 0.00296 and 0.00335; 1000 Genomes Project 30x 0.00297; ExAC 0.00297; gnomAD 0.00312 and 0.00322; ESP Exome Variant Server 0.00322; TOPMed 0.00342.
gnomAD v4.1: 5,379 of 1,614,030 alleles (0.33%); highest among the groups gnomAD compares: Non-Finnish European, 0.37%; 9 homozygotes.

Submissions (4):

Labcorp Genetics (formerly Invitae), Labcorp
Classification: Benign. Last evaluated: 2026-01-27. Review status: criteria provided, single submitter. Criteria: Invitae Variant Classification Sherloc (09022015). Collection method: clinical testing. Allele origin: germline.

CeGaT Center for Human Genetics Tuebingen
Classification: Likely benign. Last evaluated: 2025-02-01. Review status: criteria provided, single submitter. Criteria: CeGaT Center For Human Genetics Tuebingen Variant Classification Criteria Version 2. Collection method: clinical testing. Allele origin: germline. Affected: yes. Observed: 1 variant allele.
Comment: LRRK1: BP4, BP7

Blueprint Genetics
Classification: Likely benign. Last evaluated: 2024-10-24. Review status: criteria provided, single submitter. Criteria: ACMG Guidelines, 2015. Collection method: clinical testing. Allele origin: germline.

PreventionGenetics, part of Exact Sciences
Classification: Likely benign for LRRK1-related condition. Last evaluated: 2019-04-15. Review status: no assertion criteria provided. Collection method: clinical testing. Allele origin: germline. Not counted in ClinVar's aggregate classification.
Comment: This variant is classified as likely benign based on ACMG/AMP sequence variant interpretation guidelines (Richards et al. 2015 PMID: 25741868, with internal and published modifications).